The following is an entry in ClinVar:

ClinVar aggregate classification (germline): Uncertain significance. Review status: criteria provided, multiple submitters, no conflicts (2 of 4 stars). 2 submissions from 2 submitters: Uncertain significance (2). Last evaluated 2025-07-16.

Conditions:
Medulloblastoma (MDB). Also called: Medulloblastoma, somatic; MEDULLOBLASTOMA PREDISPOSITION SYNDROME. Identifiers: Orphanet 616, MedGen C0025149, MeSH D008527, MONDO:0007959, OMIM 155255, HP:0002885.
Gorlin syndrome. Also called: Nevoid Basal Cell Carcinoma Syndrome; Basal cell nevus syndrome. Identifiers: Orphanet 377, MedGen C0004779, MONDO:0007187.
Hereditary cancer-predisposing syndrome. Also called: Hereditary neoplastic syndrome; Neoplastic Syndromes, Hereditary; Tumor predisposition; Hereditary Cancer Syndrome. Identifiers: Orphanet 140162, MedGen C0027672, MeSH D009386, MONDO:0015356.

Allele frequency attached by ClinVar (database versions not stated): gnomAD exomes below 0.00001; gnomAD 0.00001; TOPMed 0.00001.

Submissions (2):

Labcorp Genetics (formerly Invitae), Labcorp
Classification: Uncertain significance for Gorlin syndrome; Medulloblastoma. Last evaluated: 2025-07-16. Review status: criteria provided, single submitter. Criteria: Invitae Variant Classification Sherloc (09022015). Collection method: clinical testing. Allele origin: germline.
Comment: This sequence change replaces proline, which is neutral and non-polar, with leucine, which is neutral and non-polar, at codon 49 of the SUFU protein (p.Pro49Leu). This variant is not present in population databases (gnomAD no frequency). This variant has not been reported in the literature in individuals affected with SUFU-related conditions. ClinVar contains an entry for this variant (Variation ID: 1023981). Invitae Evidence Modeling of protein sequence and biophysical properties (such as structural, functional, and spatial information, amino acid conservation, physicochemical variation, residue mobility, and thermodynamic stability) indicates that this missense variant is not expected to disrupt SUFU protein function with a negative predictive value of 80%. In summary, the available evidence is currently insufficient to determine the role of this variant in disease. Therefore, it has been classified as a Variant of Uncertain Significance.

Ambry Genetics
Classification: Uncertain significance for Hereditary cancer-predisposing syndrome. Last evaluated: 2023-05-28. Review status: criteria provided, single submitter. Criteria: Ambry Variant Classification Scheme 2023. Collection method: clinical testing. Allele origin: germline.
Comment: The p.P49L variant (also known as c.146C>T), located in coding exon 1 of the SUFU gene, results from a C to T substitution at nucleotide position 146. The proline at codon 49 is replaced by leucine, an amino acid with similar properties. This amino acid position is conserved. In addition, the in silico prediction for this alteration is inconclusive. Since supporting evidence is limited at this time, the clinical significance of this alteration remains unclear.

NM_016169.4(SUFU):c.146C>T (p.Pro49Leu)

Gene: SUFU (SUFU negative regulator of hedgehog signaling; plus strand). Cytogenetic location: 10q24.32.
Variant type: single nucleotide variant.
Coding change: c.146C>T on transcript NM_016169.4 (MANE Select); coding-DNA position 146, C replaced by T.
Protein change: p.Pro49Leu; replaces proline 49 with leucine.
Molecular consequence: missense variant.
Genome position (GRCh38, 1-based): chr10:102,504,298, C>T. VCF-style: chr10-102504298-C-T. GRCh37 (hg19) VCF-style: chr10-104264055-C-T.
Other names: c.146C>T, p.Pro49Leu (NM_001178133.2); c.146C>T (NM_016169.3); short protein forms P49L.
Identifiers: ClinVar variation 1023981 (VCV001023981.11), dbSNP rs1479128337, ClinGen allele CA377886643.
Genomic context (GRCh38, chr10:102,504,298, plus strand): 5'-TCTTTCCCCCGGGACTGCACGCCATCTACGGAGAGTGCCGCCGCCTTTACCCTGACCAGC[C>T]GAACCCGCTCCAGGTTACCGCTATCGTCAAGTACTGGTATGCTCTGGGCCGCGGGGAGAC-3'
Protein context (NP_057253.2, residues 39-59): GECRRLYPDQ[Pro49Leu]NPLQVTAIVK